The following is an entry in ClinVar:

ClinVar aggregate classification (germline): Uncertain significance (1 of 4 stars; one submission).

Conditions:
PALLD-related disorder. Also called: PALLD-related condition.

Allele frequency attached by ClinVar (database versions not stated): gnomAD 0.00001.

Submission:

PreventionGenetics, part of Exact Sciences
Classification: Uncertain significance for PALLD-related condition. Last evaluated: 2023-01-10. Review status: criteria provided, single submitter. Criteria: ACMG Guidelines, 2015. Collection method: clinical testing. Allele origin: germline.
Comment: The PALLD c.11T>C variant is predicted to result in the amino acid substitution p.Leu4Pro. To our knowledge, this variant has not been reported in the literature or in a large population database, indicating this variant is rare. At this time, the clinical significance of this variant is uncertain due to the absence of conclusive functional and genetic evidence.

NM_001166108.2(PALLD):c.1965-13020T>C

Gene: PALLD (palladin, cytoskeletal associated protein; plus strand). Cytogenetic location: 4q32.3.
Variant type: single nucleotide variant.
Coding change: c.1965-13020T>C on transcript NM_001166108.2 (MANE Select); 13020 bases into the intron before coding-DNA position 1965, T replaced by C.
Molecular consequence: intron variant. On other transcripts: missense variant (1).
Genome position (GRCh38, 1-based): chr4:168,877,902, T>C. VCF-style: chr4-168877902-T-C. GRCh37 (hg19) VCF-style: chr4-169799053-T-C.
Other names: c.11T>C, p.Leu4Pro (NM_001166110.2); c.1965-13020T>C (NM_016081.4); c.819-13020T>C (NM_001166109.2); c.-157-13020T>C (NM_001367570.1, NM_001367568.1, NM_001367567.1 and 1 more transcripts); short protein forms L4P.
Identifiers: ClinVar variation 2629612 (VCV002629612.1), dbSNP rs1751991299, ClinGen allele CA358794638.
Genomic context (GRCh38, chr4:168,877,902, plus strand): 5'-CCGCCTTCCCCGAGCTCGCGGCCTGCACGCCGCCCGCGTCCCCGGAGCCCATGAGCGCGC[T>C]GGCCTCCCGCTCCGCCCCCGCCATGCAGTCCTCCGGCTCCTTCAACTACGCGCGCCCCAA-3'